The following is an entry in ClinVar:

ClinVar aggregate classification (germline): Uncertain significance (1 of 4 stars; one submission).

Conditions:
Hereditary cancer-predisposing syndrome. Also called: Neoplastic Syndromes, Hereditary; Tumor predisposition; Hereditary Cancer Syndrome; Hereditary neoplastic syndrome. Identifiers: Orphanet 140162, MedGen C0027672, MeSH D009386, MONDO:0015356.

Submission:

Ambry Genetics
Classification: Uncertain significance for Hereditary cancer-predisposing syndrome. Last evaluated: 2026-05-26. Review status: criteria provided, single submitter. Criteria: Ambry Variant Classification Scheme 2023. Collection method: clinical testing. Allele origin: germline.
Comment: The p.P178R variant (also known as c.533C>G), located in coding exon 5 of the ATM gene, results from a C to G substitution at nucleotide position 533. The proline at codon 178 is replaced by arginine, an amino acid with dissimilar properties. In an assay testing ATM function, this variant showed a functionally normal result (Lee KS et al. Cell, 2025 Sep;188:5081-5099.e27). This amino acid position is well conserved in available vertebrate species. In addition, the in silico prediction for this alteration is inconclusive. Based on the available evidence, the clinical significance of this variant remains unclear.

Literature cited by the submitters: PubMed 40580951.

NM_000051.4(ATM):c.533C>G (p.Pro178Arg)

Gene: ATM (ATM serine/threonine kinase; plus strand). Cytogenetic location: 11q22.3.
Variant type: single nucleotide variant.
Coding change: c.533C>G on transcript NM_000051.4 (MANE Select); coding-DNA position 533, C replaced by G.
Protein change: p.Pro178Arg; replaces proline 178 with arginine.
Molecular consequence: missense variant.
Genome position (GRCh38, 1-based): chr11:108,243,989, C>G. VCF-style: chr11-108243989-C-G. GRCh37 (hg19) VCF-style: chr11-108114716-C-G.
Other names: c.533C>G, p.Pro178Arg (NM_001351834.2); short protein forms P178R.
Identifiers: ClinVar variation 4867046 (VCV004867046.1).